The following is an entry in ClinVar:

NM_006206.6(PDGFRA):c.2445C>G (p.Val815=)

Gene: PDGFRA (platelet derived growth factor receptor alpha; plus strand). Cytogenetic location: 4q12.
Variant type: single nucleotide variant.
Coding change: c.2445C>G on transcript NM_006206.6 (MANE Select); coding-DNA position 2445, C replaced by G.
Protein change: p.Val815=; no amino-acid change (valine 815 retained).
Molecular consequence: synonymous variant.
Genome position (GRCh38, 1-based): chr4:54,285,846, C>G. VCF-style: chr4-54285846-C-G. GRCh37 (hg19) VCF-style: chr4-55152013-C-G.
Other names: c.2520C>G, p.Val840= (NM_001347828.2); c.2445C>G, p.Val815= (NM_001347829.2); c.2484C>G, p.Val828= (NM_001347830.2).
Identifiers: ClinVar variation 712543 (VCV000712543.26), dbSNP rs1577742150, ClinGen allele CA439287757.

ClinVar aggregate classification (germline): Benign/Likely benign. Review status: criteria provided, multiple submitters, no conflicts (2 of 4 stars). 4 submissions from 4 submitters: Benign (1); Likely benign (3). Last evaluated 2026-06-17.

Conditions:
Gastrointestinal stromal tumor. Also called: Gastrointestinal stroma tumor; Gastrointestinal stromal tumor, somatic. Identifiers: Orphanet 44890, MedGen C0238198, MeSH D046152, MONDO:0011719, OMIM 606764, HP:0100723.
Polyps, multiple and recurrent inflammatory fibroid, gastrointestinal. Identifiers: MedGen C5193005, MONDO:0008285, OMIM 175510.
Hereditary cancer-predisposing syndrome. Also called: Neoplastic Syndromes, Hereditary; Tumor predisposition; Hereditary Cancer Syndrome; Hereditary neoplastic syndrome. Identifiers: Orphanet 140162, MedGen C0027672, MeSH D009386, MONDO:0015356.

Allele frequency attached by ClinVar (database versions not stated): TOPMed below 0.00001; gnomAD exomes 0.00001.
gnomAD v4.1: 3 of 1,614,026 alleles (0.00019%); highest among the groups gnomAD compares: Admixed American, 0.0033%; no homozygotes.

Submissions (4):

Myriad Genetics, Inc.
Classification: Benign for Polyps, multiple and recurrent inflammatory fibroid, gastrointestinal. Last evaluated: 2026-06-17. Review status: criteria provided, single submitter. Criteria: Myriad Autosomal Dominant, Autosomal Recessive and X-Linked Classification Criteria (2023). Collection method: clinical testing. Allele origin: unknown.
Comment: This variant is considered benign. This variant is a silent/synonymous amino acid change and it is not expected to impact splicing.

Labcorp Genetics (formerly Invitae), Labcorp
Classification: Likely benign for Gastrointestinal stromal tumor. Last evaluated: 2026-01-24. Review status: criteria provided, single submitter. Criteria: Invitae Variant Classification Sherloc (09022015). Collection method: clinical testing. Allele origin: germline.

CeGaT Center for Human Genetics Tuebingen
Classification: Likely benign. Last evaluated: 2025-02-01. Review status: criteria provided, single submitter. Criteria: CeGaT Center For Human Genetics Tuebingen Variant Classification Criteria Version 2. Collection method: clinical testing. Allele origin: germline. Affected: yes. Observed: 1 variant allele.
Comment: PDGFRA: BP4, BP7

Ambry Genetics
Classification: Likely benign for Hereditary cancer-predisposing syndrome. Last evaluated: 2023-05-21. Review status: criteria provided, single submitter. Criteria: Ambry Variant Classification Scheme 2023. Collection method: clinical testing. Allele origin: germline.